The following is an entry in ClinVar:

ClinVar aggregate classification (germline): Uncertain significance. Review status: criteria provided, multiple submitters, no conflicts (2 of 4 stars). 2 submissions from 2 submitters: Uncertain significance (2). Last evaluated 2025-08-24.

gnomAD v4.1: 99 of 1,613,294 alleles (0.0061%); highest among the groups gnomAD compares: Non-Finnish European, 0.0075%; no homozygotes.

Submissions (2):

Labcorp Genetics (formerly Invitae), Labcorp
Classification: Uncertain significance. Last evaluated: 2025-08-24. Review status: criteria provided, single submitter. Criteria: Invitae Variant Classification Sherloc (09022015). Collection method: clinical testing. Allele origin: germline.
Comment: This sequence change replaces arginine, which is basic and polar, with cysteine, which is neutral and slightly polar, at codon 679 of the TNS2 protein (p.Arg679Cys). This variant is present in population databases (rs370508882, gnomAD 0.007%). This variant has not been reported in the literature in individuals affected with TNS2-related conditions. ClinVar contains an entry for this variant (Variation ID: 3809247). An algorithm developed to predict the effect of missense changes on protein structure and function (PolyPhen-2) suggests that this variant is likely to be disruptive. In summary, the available evidence is currently insufficient to determine the role of this variant in disease. Therefore, it has been classified as a Variant of Uncertain Significance.

Ambry Genetics
Classification: Uncertain significance. Last evaluated: 2025-02-01. Review status: criteria provided, single submitter. Criteria: Ambry Variant Classification Scheme 2023. Collection method: clinical testing. Allele origin: germline.

NM_170754.4(TNS2):c.2005C>T (p.Arg669Cys)

Gene: TNS2 (tensin 2; plus strand). Cytogenetic location: 12q13.13.
Variant type: single nucleotide variant.
Coding change: c.2005C>T on transcript NM_170754.4 (MANE Select); coding-DNA position 2005, C replaced by T.
Protein change: p.Arg669Cys; replaces arginine 669 with cysteine.
Molecular consequence: missense variant.
Genome position (GRCh38, 1-based): chr12:53,059,646, C>T. VCF-style: chr12-53059646-C-T. GRCh37 (hg19) VCF-style: chr12-53453430-C-T.
Other names: c.2005C>T, p.Arg669Cys (NM_001416202.1); c.1963C>T, p.Arg655Cys (NM_001416203.1); c.2032C>T, p.Arg678Cys (NM_001416204.1); c.1936C>T, p.Arg646Cys (NM_015319.3); c.1633C>T, p.Arg545Cys (NM_198316.2); short protein forms R646C, R655C, R678C, R545C, R669C.
Identifiers: ClinVar variation 3809247 (VCV003809247.2).